The following is an entry in ClinVar:

ClinVar aggregate classification (germline): Uncertain significance. Review status: criteria provided, multiple submitters, no conflicts (2 of 4 stars). 2 submissions from 2 submitters: Uncertain significance (2). Last evaluated 2023-12-13.

Conditions:
Inborn genetic diseases. Identifiers: MedGen C0950123, MeSH D030342.
MOGS-congenital disorder of glycosylation. Also called: CDG IIb; CDG 2B; MOGS-CDG; GLUCOSIDASE I DEFICIENCY. Identifiers: Orphanet 79330, MedGen C1853736, MONDO:0011629, OMIM 606056.

Allele frequency attached by ClinVar (database versions not stated): gnomAD 0.00001 and 0.00002; gnomAD exomes 0.00001; TOPMed 0.00005.
gnomAD v4.1: 7 of 1,530,986 alleles (0.00046%); highest among the groups gnomAD compares: Admixed American, 0.0059%; no homozygotes.

Submissions (2):

Ambry Genetics
Classification: Uncertain significance for Inborn genetic diseases. Last evaluated: 2023-12-13. Review status: criteria provided, single submitter. Criteria: Ambry Variant Classification Scheme 2023. Collection method: clinical testing. Allele origin: germline.

Labcorp Genetics (formerly Invitae), Labcorp
Classification: Uncertain significance for MOGS-congenital disorder of glycosylation. Last evaluated: 2021-03-12. Review status: criteria provided, single submitter. Criteria: Invitae Variant Classification Sherloc (09022015). Collection method: clinical testing. Allele origin: germline.
Comment: This sequence change replaces arginine with leucine at codon 33 of the MOGS protein (p.Arg33Leu). The arginine residue is weakly conserved and there is a moderate physicochemical difference between arginine and leucine. The frequency data for this variant in the population databases is considered unreliable, as metrics indicate insufficient coverage at this position in the ExAC database. In summary, the available evidence is currently insufficient to determine the role of this variant in disease. Therefore, it has been classified as a Variant of Uncertain Significance. Algorithms developed to predict the effect of missense changes on protein structure and function (SIFT, PolyPhen-2, Align-GVGD) all suggest that this variant is likely to be tolerated, but these predictions have not been confirmed by published functional studies and their clinical significance is uncertain. This variant has not been reported in the literature in individuals with MOGS-related conditions.

NM_006302.3(MOGS):c.98G>T (p.Arg33Leu)

Genes: MOGS (mannosyl-oligosaccharide glucosidase; minus strand), LOC129934128 (ATAC-STARR-seq lymphoblastoid silent region 11664; plus strand). Cytogenetic location: 2p13.1.
Variant type: single nucleotide variant.
Coding change: c.98G>T on transcript NM_006302.3 (MANE Select); coding-DNA position 98, G replaced by T.
Protein change: p.Arg33Leu; replaces arginine 33 with leucine.
Molecular consequence: missense variant. On other transcripts: intron variant (1).
Genome position (GRCh38, 1-based): chr2:74,465,150, C>A on the plus strand (G>T on the coding strand, the complement: MOGS is on the minus strand). VCF-style: chr2-74465150-C-A. GRCh37 (hg19) VCF-style: chr2-74692277-C-A.
Other names: c.-58-163G>T (NM_001146158.2); short protein forms R33L.
Identifiers: ClinVar variation 966934 (VCV000966934.8), dbSNP rs934016068, ClinGen allele CA50477126.